The following is an entry in ClinVar:

ClinVar aggregate classification (germline): Uncertain significance (1 of 4 stars; one submission).

Conditions:
Inborn genetic diseases. Identifiers: MedGen C0950123, MeSH D030342.

Submission:

Ambry Genetics
Classification: Uncertain significance for Inborn genetic diseases. Last evaluated: 2025-03-14. Review status: criteria provided, single submitter. Criteria: Ambry Variant Classification Scheme 2023. Collection method: clinical testing. Allele origin: germline.
Comment: The p.D1088H variant (also known as c.3262G>C), located in coding exon 15 of the MECOM gene, results from a G to C substitution at nucleotide position 3262. The aspartic acid at codon 1088 is replaced by histidine, an amino acid with similar properties. This amino acid position is conserved. In addition, this alteration is predicted to be tolerated by in silico analysis. Based on the available evidence, the clinical significance of this variant remains unclear.

NM_004991.4(MECOM):c.3262G>C (p.Asp1088His)

Gene: MECOM (MDS1 and EVI1 complex locus; minus strand). Cytogenetic location: 3q26.2.
Variant type: single nucleotide variant.
Coding change: c.3262G>C on transcript NM_004991.4 (MANE Select); coding-DNA position 3262, G replaced by C.
Protein change: p.Asp1088His; replaces aspartic acid 1088 with histidine.
Molecular consequence: missense variant.
Genome position (GRCh38, 1-based): chr3:169,090,139, C>G on the plus strand (G>C on the coding strand, the complement: MECOM is on the minus strand). VCF-style: chr3-169090139-C-G. GRCh37 (hg19) VCF-style: chr3-168807927-C-G.
Other names: c.2893G>C, p.Asp965His (NM_001105077.4); c.2698G>C, p.Asp900His (NM_001105078.4, NM_001205194.2, NM_001366469.2 and 1 more transcripts); c.2674G>C, p.Asp892His (NM_001163999.2, NM_001366470.2); c.2671G>C, p.Asp891His (NM_001164000.2, NM_001366471.2, NM_001366472.2); c.3235G>C, p.Asp1079His (NM_001366466.2); c.2701G>C, p.Asp901His (NM_001366467.2, NM_001366468.2); c.2263G>C, p.Asp755His (NM_001366473.2); c.1699G>C, p.Asp567His (NM_001366474.2); short protein forms D900H, D567H, D891H, D755H, D892H, D1079H, D1088H, D901H.
Identifiers: ClinVar variation 3871904 (VCV003871904.1).